The following is an entry in ClinVar:

ClinVar aggregate classification (germline): Likely pathogenic (1 of 4 stars; one submission).

Conditions:
Severe combined immunodeficiency due to LCK deficiency. Also called: Immunodeficiency 22. Identifiers: Orphanet 280142, MedGen C4014233, MONDO:0014334, OMIM 615758.

Submission:

Labcorp Genetics (formerly Invitae), Labcorp
Classification: Likely pathogenic for Severe combined immunodeficiency due to LCK deficiency. Last evaluated: 2024-04-01. Review status: criteria provided, single submitter. Criteria: Invitae Variant Classification Sherloc (09022015). Collection method: clinical testing. Allele origin: germline.
Comment: This sequence change affects an acceptor splice site in intron 8 of the LCK gene. It is expected to disrupt RNA splicing. Variants that disrupt the donor or acceptor splice site typically lead to a loss of protein function (PMID: 16199547), and loss-of-function variants in LCK are known to be pathogenic (PMID: 22985903, 27087313). This variant is not present in population databases (gnomAD no frequency). This variant has not been reported in the literature in individuals affected with LCK-related conditions. Algorithms developed to predict the effect of sequence changes on RNA splicing suggest that this variant may disrupt the consensus splice site. In summary, the currently available evidence indicates that the variant is pathogenic, but additional data are needed to prove that conclusively. Therefore, this variant has been classified as Likely Pathogenic.

Literature cited by the submitters: PubMed 16199547; PubMed 22985903; PubMed 27087313.

NM_005356.5(LCK):c.785-1G>A

Gene: LCK (LCK proto-oncogene, Src family tyrosine kinase; plus strand). Cytogenetic location: 1p35.2.
Variant type: single nucleotide variant.
Coding change: c.785-1G>A on transcript NM_005356.5 (MANE Select); the canonical splice acceptor site of the intron before coding-DNA position 785, G replaced by A.
Molecular consequence: splice acceptor variant.
Genome position (GRCh38, 1-based): chr1:32,276,606, G>A. VCF-style: chr1-32276606-G-A. GRCh37 (hg19) VCF-style: chr1-32742207-G-A.
Other names: c.632-1G>A (NM_001330468.2); c.785-1G>A (NM_001042771.3).
Identifiers: ClinVar variation 3689457 (VCV003689457.2).